The following is an entry in ClinVar:

ClinVar aggregate classification (germline): Likely benign. Review status: criteria provided, multiple submitters, no conflicts (2 of 4 stars). 3 submissions from 3 submitters: Likely benign (2). 1 of the submissions does not count toward it. Last evaluated 2025-10-13.

Conditions:
Cerebral creatine deficiency syndrome. Also called: Creatine deficiency syndromes. Identifiers: Orphanet 79172, MedGen C5244016, MONDO:0000456.
GAMT-related disorder. Also called: GAMT-related condition.

Allele frequency attached by ClinVar (database versions not stated): gnomAD exomes 0.00001 and 0.00002; ESP Exome Variant Server 0.00008; gnomAD 0.00008 and 0.00009; ExAC 0.00009; TOPMed 0.00009.
gnomAD v4.1: 26 of 1,598,872 alleles (0.0016%); highest among the groups gnomAD compares: Middle Eastern, 0.033%; no homozygotes.

Submissions (3):

Labcorp Genetics (formerly Invitae), Labcorp
Classification: Likely benign for Cerebral creatine deficiency syndrome. Last evaluated: 2025-10-13. Review status: criteria provided, single submitter. Criteria: Invitae Variant Classification Sherloc (09022015). Collection method: clinical testing. Allele origin: germline.

GeneDx
Classification: Likely benign. Last evaluated: 2018-03-02. Review status: criteria provided, single submitter. Criteria: GeneDx Variant Classification (06012015). Collection method: clinical testing. Allele origin: germline. Affected: yes.
Comment: This variant is considered likely benign or benign based on one or more of the following criteria: it is a conservative change, it occurs at a poorly conserved position in the protein, it is predicted to be benign by multiple in silico algorithms, and/or has population frequency not consistent with disease.

PreventionGenetics, part of Exact Sciences
Classification: Likely benign for GAMT-related condition. Last evaluated: 2019-09-17. Review status: no assertion criteria provided. Collection method: clinical testing. Allele origin: germline. Not counted in ClinVar's aggregate classification.
Comment: This variant is classified as likely benign based on ACMG/AMP sequence variant interpretation guidelines (Richards et al. 2015 PMID: 25741868, with internal and published modifications).

NM_000156.6(GAMT):c.270G>A (p.Glu90=)

Gene: GAMT (guanidinoacetate N-methyltransferase; minus strand). Cytogenetic location: 19p13.3.
Variant type: single nucleotide variant.
Coding change: c.270G>A on transcript NM_000156.6 (MANE Select); coding-DNA position 270, G replaced by A.
Protein change: p.Glu90=; no amino-acid change (glutamic acid 90 retained).
Molecular consequence: synonymous variant.
Genome position (GRCh38, 1-based): chr19:1,399,850, C>T on the plus strand (G>A on the coding strand, the complement: GAMT is on the minus strand). VCF-style: chr19-1399850-C-T. GRCh37 (hg19) VCF-style: chr19-1399849-C-T.
Other names: c.270G>A, p.Glu90= (NM_138924.3).
Identifiers: ClinVar variation 386805 (VCV000386805.14), dbSNP rs138754049, ClinGen allele CA9043753.